The following is an entry in ClinVar:

ClinVar aggregate classification (germline): Uncertain significance. Review status: criteria provided, multiple submitters, no conflicts (2 of 4 stars). 2 submissions from 2 submitters: Uncertain significance (2). Last evaluated 2024-11-11.

Allele frequency attached by ClinVar (database versions not stated): ExAC 0.00005; TOPMed 0.00005; gnomAD 0.00006 and 0.00007; gnomAD exomes 0.00006 and 0.00008; ESP Exome Variant Server 0.00015.
gnomAD v4.1: 118 of 1,614,054 alleles (0.0073%); highest among the groups gnomAD compares: Middle Eastern, 0.016%; 1 homozygote.

Submissions (2):

Labcorp Genetics (formerly Invitae), Labcorp
Classification: Uncertain significance. Last evaluated: 2024-11-11. Review status: criteria provided, single submitter. Criteria: Invitae Variant Classification Sherloc (09022015). Collection method: clinical testing. Allele origin: germline.
Comment: This sequence change replaces proline, which is neutral and non-polar, with leucine, which is neutral and non-polar, at codon 795 of the AGBL5 protein (p.Pro795Leu). This variant is present in population databases (rs148028646, gnomAD 0.01%). This variant has not been reported in the literature in individuals affected with AGBL5-related conditions. ClinVar contains an entry for this variant (Variation ID: 1495944). An algorithm developed to predict the effect of missense changes on protein structure and function (PolyPhen-2) suggests that this variant¬†is likely to be tolerated. In summary, the available evidence is currently insufficient to determine the role of this variant in disease. Therefore, it has been classified as a Variant of Uncertain Significance.

Blueprint Genetics
Classification: Uncertain significance. Last evaluated: 2024-09-02. Review status: criteria provided, single submitter. Criteria: ACMG Guidelines, 2015. Collection method: clinical testing. Allele origin: germline.

NM_021831.6(AGBL5):c.2384C>T (p.Pro795Leu)

Gene: AGBL5 (AGBL carboxypeptidase 5; plus strand). Cytogenetic location: 2p23.3.
Variant type: single nucleotide variant.
Coding change: c.2384C>T on transcript NM_021831.6 (MANE Select); coding-DNA position 2384, C replaced by T.
Protein change: p.Pro795Leu; replaces proline 795 with leucine.
Molecular consequence: missense variant. On other transcripts: non-coding transcript variant (2).
Genome position (GRCh38, 1-based): chr2:27,069,601, C>T. VCF-style: chr2-27069601-C-T. GRCh37 (hg19) VCF-style: chr2-27292469-C-T.
Other names: short protein forms P795L.
Identifiers: ClinVar variation 1495944 (VCV001495944.6), dbSNP rs148028646, ClinGen allele CA1568237.